The following is an entry in ClinVar:

ClinVar aggregate classification (germline): Likely pathogenic (1 of 4 stars; one submission).

Conditions:
GPIHBP1-related disorder. Also called: GPIHBP1-related condition.

Submission:

PreventionGenetics, part of Exact Sciences
Classification: Likely pathogenic for GPIHBP1-related condition. Last evaluated: 2025-12-19. Review status: criteria provided, single submitter. Criteria: ACMG Guidelines, 2015. Collection method: clinical testing. Allele origin: germline.
Comment: The GPIHBP1 c.250_253dupTCAC variant is predicted to result in a frameshift and premature protein termination (p.His85Leufs*223). To our knowledge, this variant has not been reported in the literature. This variant is reported in 0.0065% of alleles in individuals of European (Non-Finnish) descent in gnomAD. Frameshift variants in GPIHBP1 are expected to be pathogenic. This variant is interpreted as likely pathogenic.

NM_178172.6(GPIHBP1):c.250_253dup (p.His85fs)

Gene: GPIHBP1 (glycosylphosphatidylinositol anchored high density lipoprotein binding protein 1; plus strand). Cytogenetic location: 8q24.3.
Variant type: Duplication.
Coding change: c.250_253dup on transcript NM_178172.6 (MANE Select); coding-DNA positions 250 to 253, 4 bases duplicated (TCAC; older notation c.250_253dupTCAC).
Protein change: p.His85fs; shifts the reading frame from histidine 85.
Molecular consequence: frameshift variant.
Genome position (GRCh38, 1-based): chr8:143,215,081-143,215,084, TCAC duplicated; duplicating any 4 consecutive bases within chr8:143,215,080-143,215,084 gives the same sequence; the c. name uses the placement nearest the transcript's 3' end. VCF-style (leftmost placement, unchanged base first): chr8-143215079-G-GCTCA. GRCh37 (hg19) VCF-style: chr8-144296954-G-GCTCA.
Other names: c.250_253dup, p.His85fs (NM_001301772.2); short protein forms H85fs.
Identifiers: ClinVar variation 4988973 (VCV004988973.1).